The following is an entry in ClinVar:

NM_006231.4(POLE):c.6285GCT[1] (p.Leu2097del)

Gene: POLE (DNA polymerase epsilon, catalytic subunit; minus strand). Cytogenetic location: 12q24.33.
Variant type: Microsatellite.
Coding change: c.6285GCT[1] on transcript NM_006231.4 (MANE Select); one copy of the 3-base unit GCT starting at c.6285; the reference has two copies in a row; one copy, 3 bases deleted.
Protein change: p.Leu2097del; deletes leucine 2097.
Genome position (GRCh38, 1-based): chr12:132,632,355-132,632,357, AGC deleted on the plus strand (GCT on the coding strand, the reverse complement: POLE is on the minus strand); deleting any 3 consecutive bases within chr12:132,632,355-132,632,361 gives the same sequence; the position shown is the placement nearest the transcript's 3' end. VCF-style (leftmost placement, unchanged base first): chr12-132632354-GAGC-G. GRCh37 (hg19) VCF-style: chr12-133208940-GAGC-G.
Other names: short protein forms L2097del.
Identifiers: ClinVar variation 3717160 (VCV003717160.2).

ClinVar aggregate classification (germline): Uncertain significance (1 of 4 stars; one submission).

Submission:

Labcorp Genetics (formerly Invitae), Labcorp
Classification: Uncertain significance. Last evaluated: 2024-11-02. Review status: criteria provided, single submitter. Criteria: Invitae Variant Classification Sherloc (09022015). Collection method: clinical testing. Allele origin: germline.
Comment: This variant, c.6288_6290del, results in the deletion of 1 amino acid(s) of the POLE protein (p.Leu2097del), but otherwise preserves the integrity of the reading frame. This variant is not present in population databases (gnomAD no frequency). This variant has not been reported in the literature in individuals affected with POLE-related conditions. Experimental studies and prediction algorithms are not available or were not evaluated, and the functional significance of this variant is currently unknown. In summary, the available evidence is currently insufficient to determine the role of this variant in disease. Therefore, it has been classified as a Variant of Uncertain Significance.